The following is an entry in ClinVar:

NM_000435.3(NOTCH3):c.3364G>A (p.Asp1122Asn)

Gene: NOTCH3 (notch receptor 3; minus strand). Cytogenetic location: 19p13.12.
Variant type: single nucleotide variant.
Coding change: c.3364G>A on transcript NM_000435.3 (MANE Select); coding-DNA position 3364, G replaced by A.
Protein change: p.Asp1122Asn; replaces aspartic acid 1122 with asparagine.
Molecular consequence: missense variant.
Genome position (GRCh38, 1-based): chr19:15,179,460, C>T on the plus strand (G>A on the coding strand, the complement: NOTCH3 is on the minus strand). VCF-style: chr19-15179460-C-T. GRCh37 (hg19) VCF-style: chr19-15290271-C-T.
Other names: c.3364G>A (NM_000435.2); short protein forms D1122N.
Identifiers: ClinVar variation 1443670 (VCV001443670.9), dbSNP rs140147764, ClinGen allele CA305769591.
Genomic context (GRCh38, chr19:15,179,460, plus strand): 5'-CCACGAGGTCAATGCATGAACCCCCGTGCTGGCAGGGCTGGGAGGCACACTCGTCCACGT[C>T]GTCCTCACAGTTATCACCATTGTAGCCAGGAAGACACTTCAGTGGGGTAAGAGAGGGACC-3'
Protein context (NP_000426.2, residues 1112-1132): PGYNGDNCED[Asp1122Asn]VDECASQPCQ

ClinVar aggregate classification (germline): Uncertain significance. Review status: criteria provided, multiple submitters, no conflicts (2 of 4 stars). 2 submissions from 2 submitters: Uncertain significance (2). Last evaluated 2025-11-24.

Conditions:
Inborn genetic diseases. Identifiers: MedGen C0950123, MeSH D030342.

Allele frequency attached by ClinVar (database versions not stated): TOPMed 0.00001; gnomAD 0.00001; ESP Exome Variant Server 0.00008; gnomAD exomes below 0.00001 and 0.00002.

Submissions (2):

Ambry Genetics
Classification: Uncertain significance for Inborn genetic diseases. Last evaluated: 2025-11-24. Review status: criteria provided, single submitter. Criteria: Ambry Variant Classification Scheme 2023. Collection method: clinical testing. Allele origin: germline.
Comment: The c.3364G>A (p.D1122N) alteration is located in exon 21 (coding exon 21) of the NOTCH3 gene. This alteration results from a G to A substitution at nucleotide position 3364, causing the aspartic acid (D) at amino acid position 1122 to be replaced by an asparagine (N). Based on data from gnomAD, the A allele has an overall frequency of <0.001% (1/251284) total alleles studied. The highest observed frequency was 0.001% (1/113696) of European (non-Finnish) alleles. Based on insufficient or conflicting evidence, the clinical significance of this alteration remains unclear.

Labcorp Genetics (formerly Invitae), Labcorp
Classification: Uncertain significance. Last evaluated: 2023-08-24. Review status: criteria provided, single submitter. Criteria: Invitae Variant Classification Sherloc (09022015). Collection method: clinical testing. Allele origin: germline.
Comment: ClinVar contains an entry for this variant (Variation ID: 1443670). In summary, the available evidence is currently insufficient to determine the role of this variant in disease. Therefore, it has been classified as a Variant of Uncertain Significance. Advanced modeling of protein sequence and biophysical properties (such as structural, functional, and spatial information, amino acid conservation, physicochemical variation, residue mobility, and thermodynamic stability) performed at Invitae indicates that this missense variant is not expected to disrupt NOTCH3 protein function. This variant has not been reported in the literature in individuals affected with NOTCH3-related conditions. This variant is not present in population databases (gnomAD no frequency). This sequence change replaces aspartic acid, which is acidic and polar, with asparagine, which is neutral and polar, at codon 1122 of the NOTCH3 protein (p.Asp1122Asn).